The following is an entry in ClinVar:

ClinVar aggregate classification (germline): Uncertain significance (1 of 4 stars; one submission).

Conditions:
Ichthyosis linearis circumflexa. Identifiers: MedGen C0265962, MONDO:0043106, HP:0025810.

Allele frequency attached by ClinVar (database versions not stated): gnomAD exomes below 0.00001; TOPMed 0.00001; gnomAD 0.00002.
gnomAD v4.1: 4 of 1,613,826 alleles (0.00025%); highest among the groups gnomAD compares: Admixed American, 0.005%; no homozygotes.

Submission:

Labcorp Genetics (formerly Invitae), Labcorp
Classification: Uncertain significance for Ichthyosis linearis circumflexa. Last evaluated: 2024-11-04. Review status: criteria provided, single submitter. Criteria: Invitae Variant Classification Sherloc (09022015). Collection method: clinical testing. Allele origin: germline.
Comment: This sequence change replaces asparagine, which is neutral and polar, with lysine, which is basic and polar, at codon 1022 of the SPINK5 protein (p.Asn1022Lys). This variant is present in population databases (no rsID available, gnomAD 0.007%). This variant has not been reported in the literature in individuals affected with SPINK5-related conditions. ClinVar contains an entry for this variant (Variation ID: 935754). An algorithm developed to predict the effect of missense changes on protein structure and function (PolyPhen-2) suggests that this variant is likely to be tolerated. In summary, the available evidence is currently insufficient to determine the role of this variant in disease. Therefore, it has been classified as a Variant of Uncertain Significance.

NM_006846.4(SPINK5):c.3066C>A (p.Asn1022Lys)

Gene: SPINK5 (serine peptidase inhibitor Kazal type 5; plus strand). Cytogenetic location: 5q32.
Variant type: single nucleotide variant.
Coding change: c.3066C>A on transcript NM_006846.4 (MANE Select); coding-DNA position 3066, C replaced by A.
Protein change: p.Asn1022Lys; replaces asparagine 1022 with lysine.
Molecular consequence: missense variant.
Genome position (GRCh38, 1-based): chr5:148,131,360, C>A. VCF-style: chr5-148131360-C-A. GRCh37 (hg19) VCF-style: chr5-147510923-C-A.
Other names: c.3156C>A, p.Asn1052Lys (NM_001127698.2); short protein forms N1022K, N1052K.
Identifiers: ClinVar variation 935754 (VCV000935754.8), dbSNP rs1414330619, ClinGen allele CA361652206.
Genomic context (GRCh38, chr5:148,131,360, plus strand): 5'-AGGTTATCTTTGTCCAAAGGATTTAAAGCCTGTCTGTGGTGACGATGGCCAAACCTACAA[C>A]AATCCTTGCATGCTCTGTCATGAAAACCTGTAAGTATTCAAGTTGCCCCATCATATCTTC-3'
Protein context (NP_006837.2, residues 1012-1032): PVCGDDGQTY[Asn1022Lys]NPCMLCHENL